The following is an entry in ClinVar:

NM_014425.5(INVS):c.2790C>A (p.Tyr930Ter)

Gene: INVS (inversin; plus strand). Cytogenetic location: 9q31.1.
Variant type: single nucleotide variant.
Coding change: c.2790C>A on transcript NM_014425.5 (MANE Select); coding-DNA position 2790, C replaced by A.
Protein change: p.Tyr930Ter; replaces tyrosine 930 with a stop codon.
Molecular consequence: nonsense. On other transcripts: non-coding transcript variant (1).
Genome position (GRCh38, 1-based): chr9:100,296,920, C>A. VCF-style: chr9-100296920-C-A. GRCh37 (hg19) VCF-style: chr9-103059202-C-A.
Other names: c.2502C>A, p.Tyr834Ter (NM_001318381.2); c.1812C>A, p.Tyr604Ter (NM_001318382.2); short protein forms Y604*, Y834*, Y930*.
Identifiers: ClinVar variation 4277275 (VCV004277275.1).

ClinVar aggregate classification (germline): Pathogenic (1 of 4 stars; one submission).

Conditions:
Infantile nephronophthisis (NPHP2). Also called: Nephronophthisis 2, infantile; Nephronophthisis 2. Identifiers: Orphanet 655, Orphanet 93591, MedGen C1865872, MONDO:0011190, OMIM 602088.

gnomAD v4.1: 1 of 1,613,788 alleles (0.000062%); highest among the groups gnomAD compares: Non-Finnish European, 0.000085%; no homozygotes.

Submission:

MVZ Medizinische Genetik Mainz
Classification: Pathogenic for Infantile nephronophthisis. Last evaluated: 2025-08-18. Review status: criteria provided, single submitter. Criteria: UK Practice Guidelines For Variant Classification V4 01 2020. Collection method: clinical testing. Allele origin: germline. Inheritance: Autosomal recessive inheritance. Affected: yes. Observed: 1 variant allele.
Comment: ACMG Criteria: PVS1,PM2_SUP,PM3_SUP